The following is an entry in ClinVar:

ClinVar aggregate classification (germline): Uncertain significance. Review status: criteria provided, multiple submitters, no conflicts (2 of 4 stars). 2 submissions from 2 submitters: Uncertain significance (2). Last evaluated 2025-11-21.

Conditions:
Inborn genetic diseases. Identifiers: MedGen C0950123, MeSH D030342.

Allele frequency attached by ClinVar (database versions not stated): gnomAD exomes 0.00001; ExAC 0.00002; TOPMed 0.00003; gnomAD 0.00005; ESP Exome Variant Server 0.00008; 1000 Genomes Project 30x 0.00031.
gnomAD v4.1: 20 of 1,614,106 alleles (0.0012%); highest among the groups gnomAD compares: African/African-American, 0.0093%; no homozygotes.

Submissions (2):

Labcorp Genetics (formerly Invitae), Labcorp
Classification: Uncertain significance. Last evaluated: 2025-11-21. Review status: criteria provided, single submitter. Criteria: Invitae Variant Classification Sherloc (09022015). Collection method: clinical testing. Allele origin: germline.
Comment: This sequence change replaces arginine, which is basic and polar, with histidine, which is basic and polar, at codon 886 of the MTOR protein (p.Arg886His). This variant is present in population databases (rs376873727, gnomAD 0.02%). This variant has not been reported in the literature in individuals affected with MTOR-related conditions. ClinVar contains an entry for this variant (Variation ID: 2201994). Invitae Evidence Modeling of protein sequence and biophysical properties (such as structural, functional, and spatial information, amino acid conservation, physicochemical variation, residue mobility, and thermodynamic stability) indicates that this missense variant is not expected to disrupt MTOR protein function with a negative predictive value of 95%. In summary, the available evidence is currently insufficient to determine the role of this variant in disease. Therefore, it has been classified as a Variant of Uncertain Significance.

Ambry Genetics
Classification: Uncertain significance for Inborn genetic diseases. Last evaluated: 2025-10-20. Review status: criteria provided, single submitter. Criteria: Ambry Variant Classification Scheme 2023. Collection method: clinical testing. Allele origin: germline.
Comment: The c.2657G>A (p.R886H) alteration is located in exon 18 (coding exon 17) of the MTOR gene. This alteration results from a G to A substitution at nucleotide position 2657, causing the arginine (R) at amino acid position 886 to be replaced by a histidine (H). Based on data from gnomAD, the A allele has an overall frequency of 0.002% (6/251336) total alleles studied. The highest observed frequency was 0.019% (3/16254) of African alleles. This amino acid position is highly conserved in available vertebrate species. Based on insufficient or conflicting evidence, the clinical significance of this alteration remains unclear.

NM_004958.4(MTOR):c.2657G>A (p.Arg886His)

Gene: MTOR (mechanistic target of rapamycin kinase; minus strand). Cytogenetic location: 1p36.22.
Variant type: single nucleotide variant.
Coding change: c.2657G>A on transcript NM_004958.4 (MANE Select); coding-DNA position 2657, G replaced by A.
Protein change: p.Arg886His; replaces arginine 886 with histidine.
Molecular consequence: missense variant.
Genome position (GRCh38, 1-based): chr1:11,231,047, C>T on the plus strand (G>A on the coding strand, the complement: MTOR is on the minus strand). VCF-style: chr1-11231047-C-T. GRCh37 (hg19) VCF-style: chr1-11291104-C-T.
Other names: c.2657G>A, p.Arg886His (NM_001386500.1); c.1409G>A, p.Arg470His (NM_001386501.1); short protein forms R470H, R886H.
Identifiers: ClinVar variation 2201994 (VCV002201994.5), dbSNP rs376873727, ClinGen allele CA590402.
Genomic context (GRCh38, chr1:11,231,047, plus strand): 5'-ATCATGCCAATGTTCACTTTGTGCTTGTAAGGATCCAAAGCCCCTAAAAGCCCTAACACA[C>T]GGATGGCCTGCGTGGGAAAGGGGAGGGAAAAAAGAAAACATTCATCACAACATGATTACA-3'
Protein context (NP_004949.1, residues 876-896): QNQGTRREAI[Arg886His]VLGLLGALDP